The following is an entry in ClinVar:

ClinVar aggregate classification (germline): Uncertain significance (1 of 4 stars; one submission).

Allele frequency attached by ClinVar (database versions not stated): gnomAD 0.00003; TOPMed 0.00004.
gnomAD v4.1: 49 of 1,613,996 alleles (0.003%); highest among the groups gnomAD compares: Non-Finnish European, 0.0036%; no homozygotes.

Submission:

Labcorp Genetics (formerly Invitae), Labcorp
Classification: Uncertain significance. Last evaluated: 2022-08-21. Review status: criteria provided, single submitter. Criteria: Invitae Variant Classification Sherloc (09022015). Collection method: clinical testing. Allele origin: germline.
Comment: This sequence change replaces valine, which is neutral and non-polar, with methionine, which is neutral and non-polar, at codon 821 of the LAMC3 protein (p.Val821Met). This variant is present in population databases (rs764115057, gnomAD 0.007%). This variant has not been reported in the literature in individuals affected with LAMC3-related conditions. ClinVar contains an entry for this variant (Variation ID: 1522778). Algorithms developed to predict the effect of missense changes on protein structure and function are either unavailable or do not agree on the potential impact of this missense change (SIFT: "Deleterious"; PolyPhen-2: "Probably Damaging"; Align-GVGD: "Class C0"). In summary, the available evidence is currently insufficient to determine the role of this variant in disease. Therefore, it has been classified as a Variant of Uncertain Significance.

NM_006059.4(LAMC3):c.2461G>A (p.Val821Met)

Gene: LAMC3 (laminin subunit gamma 3; plus strand). Cytogenetic location: 9q34.12.
Variant type: single nucleotide variant.
Coding change: c.2461G>A on transcript NM_006059.4 (MANE Select); coding-DNA position 2461, G replaced by A.
Protein change: p.Val821Met; replaces valine 821 with methionine.
Molecular consequence: missense variant.
Genome position (GRCh38, 1-based): chr9:131,067,073, G>A. VCF-style: chr9-131067073-G-A. GRCh37 (hg19) VCF-style: chr9-133942460-G-A.
Other names: short protein forms V821M.
Identifiers: ClinVar variation 1522778 (VCV001522778.5), dbSNP rs764115057, ClinGen allele CA5287440.